The following is an entry in ClinVar:

ClinVar aggregate classification (germline): Uncertain significance. Review status: criteria provided, multiple submitters, no conflicts (2 of 4 stars). 3 submissions from 3 submitters: Uncertain significance (3). Last evaluated 2025-09-07.

Conditions:
Cardiovascular phenotype. Identifiers: MedGen CN230736.

gnomAD v4.1: 4 of 1,613,932 alleles (0.00025%); highest among the groups gnomAD compares: Non-Finnish European, 0.00034%; no homozygotes.

Submissions (3):

Ambry Genetics
Classification: Uncertain significance for Cardiovascular phenotype. Last evaluated: 2025-09-07. Review status: criteria provided, single submitter. Criteria: Ambry Variant Classification Scheme 2023. Collection method: clinical testing. Allele origin: germline.
Comment: The p.S608P variant (also known as c.1822T>C), located in coding exon 7 of the KCND3 gene, results from a T to C substitution at nucleotide position 1822. The serine at codon 608 is replaced by proline, an amino acid with similar properties. This amino acid position is conserved. In addition, this alteration is predicted to be tolerated by in silico analysis. Based on the available evidence, the clinical significance of this variant remains unclear.

Blueprint Genetics
Classification: Uncertain significance. Last evaluated: 2024-05-30. Review status: criteria provided, single submitter. Criteria: ACMG Guidelines, 2015. Collection method: clinical testing. Allele origin: germline.

GeneDx
Classification: Uncertain significance. Last evaluated: 2024-02-14. Review status: criteria provided, single submitter. Criteria: GeneDx Variant Classification Process June 2021. Collection method: clinical testing. Allele origin: germline. Affected: yes.
Comment: Not observed at significant frequency in large population cohorts (gnomAD); In silico analysis supports that this missense variant does not alter protein structure/function; Has not been previously published as pathogenic or benign to our knowledge

NM_001378969.1(KCND3):c.1822T>C (p.Ser608Pro)

Gene: KCND3 (potassium voltage-gated channel subfamily D member 3; minus strand). Cytogenetic location: 1p13.2.
Variant type: single nucleotide variant.
Coding change: c.1822T>C on transcript NM_001378969.1 (MANE Select); coding-DNA position 1822, T replaced by C.
Protein change: p.Ser608Pro; replaces serine 608 with proline.
Molecular consequence: missense variant.
Genome position (GRCh38, 1-based): chr1:111,776,223, A>G on the plus strand (T>C on the coding strand, the complement: KCND3 is on the minus strand). VCF-style: chr1-111776223-A-G. GRCh37 (hg19) VCF-style: chr1-112318845-A-G.
Other names: c.1765T>C, p.Ser589Pro (NM_001378970.1, NM_172198.3); c.1822T>C, p.Ser608Pro (NM_004980.5); short protein forms S589P, S608P.
Identifiers: ClinVar variation 3369139 (VCV003369139.3).